The following is an entry in ClinVar:

NM_000503.6(EYA1):c.637C>T (p.Gln213Ter)

Gene: EYA1 (EYA transcriptional coactivator and phosphatase 1; minus strand). Cytogenetic location: 8q13.3.
Variant type: single nucleotide variant.
Coding change: c.637C>T on transcript NM_000503.6 (MANE Select); coding-DNA position 637, C replaced by T.
Protein change: p.Gln213Ter; replaces glutamine 213 with a stop codon.
Molecular consequence: nonsense.
Genome position (GRCh38, 1-based): chr8:71,299,640, G>A on the plus strand (C>T on the coding strand, the complement: EYA1 is on the minus strand). VCF-style: chr8-71299640-G-A. GRCh37 (hg19) VCF-style: chr8-72211875-G-A.
Other names: c.619C>T, p.Gln207Ter (NM_001288574.2); c.271C>T, p.Gln91Ter (NM_001288575.2); c.724C>T, p.Gln242Ter (NM_001370333.1); c.637C>T, p.Gln213Ter (NM_001370334.1, NM_001370335.1, NM_172058.4); c.706C>T, p.Gln236Ter (NM_001370336.1); c.709C>T, p.Gln237Ter (NM_172059.5); short protein forms Q207*, Q213*, Q236*, Q237*, Q242*, Q91*.
Identifiers: ClinVar variation 1069545 (VCV001069545.9), dbSNP rs2129000663, ClinGen allele CA371467495.

ClinVar aggregate classification (germline): Pathogenic/Likely pathogenic. Review status: criteria provided, multiple submitters, no conflicts (2 of 4 stars). 2 submissions from 2 submitters: Pathogenic (1); Likely pathogenic (1). Last evaluated 2025-09-03.

Conditions:
Melnick-Fraser syndrome (BOR). Also called: Branchio-oto-renal syndrome; Branchiootorenal syndrome; Branchiootorenal Syndrome (BORS). Identifiers: Orphanet 107, MedGen C0265234, MONDO:0007029.
Branchiootic syndrome 1 (BOS1). Also called: BO SYNDROME 1; BRANCHIOOTIC DYSPLASIA. Identifiers: MedGen C1865143, MONDO:0011258, OMIM 602588.

Submissions (2):

Labcorp Genetics (formerly Invitae), Labcorp
Classification: Pathogenic for Melnick-Fraser syndrome. Last evaluated: 2025-09-03. Review status: criteria provided, single submitter. Criteria: Invitae Variant Classification Sherloc (09022015). Collection method: clinical testing. Allele origin: germline.
Comment: This sequence change creates a premature translational stop signal (p.Gln213*) in the EYA1 gene. It is expected to result in an absent or disrupted protein product. Loss-of-function variants in EYA1 are known to be pathogenic (PMID: 10464653, 18220287). This variant is not present in population databases (gnomAD no frequency). This variant has not been reported in the literature in individuals affected with EYA1-related conditions. ClinVar contains an entry for this variant (Variation ID: 1069545). Algorithms developed to predict the effect of sequence changes on RNA splicing suggest that this variant may disrupt the consensus splice site. For these reasons, this variant has been classified as Pathogenic.

MGZ Medical Genetics Center
Classification: Likely pathogenic for Branchiootic syndrome 1. Last evaluated: 2022-07-21. Review status: criteria provided, single submitter. Criteria: ACMG Guidelines, 2015. Collection method: clinical testing. Allele origin: germline. Affected: yes. Observed: 1 variant allele.
Comment: ACMG criteria applied: PVS1, PM2_SUP

Literature cited by the submitters: PubMed 10464653 (cited by Labcorp Genetics (formerly Invitae), Labcorp); PubMed 18220287 (cited by Labcorp Genetics (formerly Invitae), Labcorp).